The following is an entry in ClinVar:

NM_001369369.1(FOXN1):c.1700C>A (p.Thr567Lys)

Gene: FOXN1 (forkhead box N1; plus strand). Cytogenetic location: 17q11.2.
Variant type: single nucleotide variant.
Coding change: c.1700C>A on transcript NM_001369369.1 (MANE Select); coding-DNA position 1700, C replaced by A.
Protein change: p.Thr567Lys; replaces threonine 567 with lysine.
Molecular consequence: missense variant.
Genome position (GRCh38, 1-based): chr17:28,537,189, C>A. VCF-style: chr17-28537189-C-A. GRCh37 (hg19) VCF-style: chr17-26864207-C-A.
Other names: c.1700C>A, p.Thr567Lys (NM_003593.3); short protein forms T567K.
Identifiers: ClinVar variation 2628400 (VCV002628400.1), dbSNP rs368961558, ClinGen allele CA398327607.
Genomic context (GRCh38, chr17:28,537,189, plus strand): 5'-AACAGTTGAAGGATGATAGCTTGGCCCTCGACCCCCTGGTACTGGTGACCTCATCCCCGA[C>A]ATCATCTTCGATGCCACCACCCCAGCCACCACCTCACTGCTTCCCCCCTGGGCCCTGTCT-3'
Protein context (NP_001356298.1, residues 557-577): DPLVLVTSSP[Thr567Lys]SSSMPPPQPP

ClinVar aggregate classification (germline): Uncertain significance (1 of 4 stars; one submission).

Conditions:
FOXN1-related disorder. Also called: FOXN1-related condition.

Submission:

PreventionGenetics, part of Exact Sciences
Classification: Uncertain significance for FOXN1-related condition. Last evaluated: 2022-10-17. Review status: criteria provided, single submitter. Criteria: ACMG Guidelines, 2015. Collection method: clinical testing. Allele origin: germline.
Comment: The FOXN1 c.1700C>A variant is predicted to result in the amino acid substitution p.Thr567Lys. To our knowledge, this variant has not been reported in the literature or in a large population database, indicating this variant is rare. At this time, the clinical significance of this variant is uncertain due to the absence of conclusive functional and genetic evidence.